The following is an entry in ClinVar:

NM_139058.3(ARX):c.1597G>A (p.Ala533Thr)

Gene: ARX (aristaless related homeobox; minus strand). Cytogenetic location: Xp21.3.
Variant type: single nucleotide variant.
Coding change: c.1597G>A on transcript NM_139058.3 (MANE Select); coding-DNA position 1597, G replaced by A.
Protein change: p.Ala533Thr; replaces alanine 533 with threonine.
Molecular consequence: missense variant.
Genome position (GRCh38, 1-based): chrX:25,004,762, C>T on the plus strand (G>A on the coding strand, the complement: ARX is on the minus strand). VCF-style: chrX-25004762-C-T. GRCh37 (hg19) VCF-style: chrX-25022879-C-T.
Other names: short protein forms A533T.
Identifiers: ClinVar variation 393263 (VCV000393263.2), dbSNP rs1057524859, ClinGen allele CA16608404.

ClinVar aggregate classification (germline): Uncertain significance (1 of 4 stars; one submission).

Submission:

GeneDx
Classification: Uncertain significance. Last evaluated: 2017-01-31. Review status: criteria provided, single submitter. Criteria: GeneDx Variant Classification (06012015). Collection method: clinical testing. Allele origin: germline. Affected: yes.
Comment: A variant of uncertain significance has been identified in the ARX gene. The A533T variant has not been published as a pathogenic variant, nor has it been reported as a benign variant to our knowledge. The A533T variant is not observed in large population cohorts (Lek et al., 2016; 1000 Genomes Consortium et al., 2015; Exome Variant Server). The A533T variant is a non-conservative amino acid substitution, which is likely to impact secondary protein structure as these residues differ in polarity, charge, size and/or other properties. This substitution occurs at a position that is conserved across species and in silico analysis predicts this variant is probably damaging to the protein structure/function. Additionally, missense variants in nearby residues (L3535Q, R536S, L537P, K538N) have been reported in Human Gene Mutation Database in association with ARX-related disorders (Stenson et al., 2014), supporting the functional importance of this region of the protein. Based on the currently available information, it is unclear whether this variant is a pathogenic variant or a rare benign variant.